The following is an entry in ClinVar:

ClinVar aggregate classification (germline): Uncertain significance (1 of 4 stars; one submission).

Submission:

Labcorp Genetics (formerly Invitae), Labcorp
Classification: Uncertain significance. Last evaluated: 2023-09-20. Review status: criteria provided, single submitter. Criteria: Invitae Variant Classification Sherloc (09022015). Collection method: clinical testing. Allele origin: germline.
Comment: In summary, the available evidence is currently insufficient to determine the role of this variant in disease. Therefore, it has been classified as a Variant of Uncertain Significance. Experimental studies and prediction algorithms are not available or were not evaluated, and the effect of this variant on mRNA splicing is currently unknown. This variant has not been reported in the literature in individuals affected with HMCN1-related conditions. This variant is present in population databases (rs779428693, gnomAD 0.006%). This sequence change falls in intron 91 of the HMCN1 gene. It does not directly change the encoded amino acid sequence of the HMCN1 protein.

NM_031935.3(HMCN1):c.14266+7_14266+22del

Gene: HMCN1 (hemicentin 1; plus strand). Cytogenetic location: 1q31.1.
Variant type: Deletion.
Coding change: c.14266+7_14266+22del on transcript NM_031935.3 (MANE Select); bases 7 to 22 of the intron after coding-DNA position 14266, 16 bases deleted (GTTGGAAATAGTGAGT).
Molecular consequence: splice donor variant.
Genome position (GRCh38, 1-based): chr1:186,144,710-186,144,725, GTTGGAAATAGTGAGT deleted; deleting any 16 consecutive bases within chr1:186,144,703-186,144,725 gives the same sequence; the c. name uses the placement nearest the transcript's 3' end. VCF-style (leftmost placement, unchanged base first): chr1-186144702-AAGTGAGTGTTGGAAAT-A. GRCh37 (hg19) VCF-style: chr1-186113834-AAGTGAGTGTTGGAAAT-A.
Identifiers: ClinVar variation 3016619 (VCV003016619.3), dbSNP rs779428693, ClinGen allele CA1294889.
Genomic context (GRCh38, chr1:186,144,702, plus strand): 5'-AGGAAGGAAATGCGAAGGGAGTGATGTCCAGAGTGATTTTTGCAACAGTGACCCTTGCCC[AAGTGAGTGTTGGAAAT>A]AGTGAGTCAACATTATACTTTCATAAAGTTTCATTATGACTGTAATTCCTTAAAGTTGCA-3'